The following is an entry in ClinVar:

NM_145038.5(DRC1):c.1206G>C (p.Trp402Cys)

Gene: DRC1 (dynein regulatory complex subunit 1; plus strand). Cytogenetic location: 2p23.3.
Variant type: single nucleotide variant.
Coding change: c.1206G>C on transcript NM_145038.5 (MANE Select); coding-DNA position 1206, G replaced by C.
Protein change: p.Trp402Cys; replaces tryptophan 402 with cysteine.
Molecular consequence: missense variant.
Genome position (GRCh38, 1-based): chr2:26,444,758, G>C. VCF-style: chr2-26444758-G-C. GRCh37 (hg19) VCF-style: chr2-26667626-G-C.
Other names: short protein forms W402C.
Identifiers: ClinVar variation 3015393 (VCV003015393.4), dbSNP rs2465429847, ClinGen allele CA346110001.

ClinVar aggregate classification (germline): Uncertain significance. Review status: criteria provided, multiple submitters, no conflicts (2 of 4 stars). 2 submissions from 2 submitters: Uncertain significance (2). Last evaluated 2023-10-07.

Conditions:
Primary ciliary dyskinesia. Also called: Ciliary dyskinesia. Identifiers: Orphanet 244, MedGen C0008780, MONDO:0016575, HP:0012265.

Allele frequency attached by ClinVar (database versions not stated): gnomAD exomes below 0.00001.
gnomAD v4.1: 2 of 1,614,166 alleles (0.00012%); highest among the groups gnomAD compares: Non-Finnish European, 0.00017%; no homozygotes.

Submissions (2):

Labcorp Genetics (formerly Invitae), Labcorp
Classification: Uncertain significance for Primary ciliary dyskinesia. Last evaluated: 2023-10-07. Review status: criteria provided, single submitter. Criteria: Invitae Variant Classification Sherloc (09022015). Collection method: clinical testing. Allele origin: germline.
Comment: This sequence change replaces tryptophan, which is neutral and slightly polar, with cysteine, which is neutral and slightly polar, at codon 402 of the DRC1 protein (p.Trp402Cys). This variant is not present in population databases (gnomAD no frequency). This variant has not been reported in the literature in individuals affected with DRC1-related conditions. An algorithm developed to predict the effect of missense changes on protein structure and function (PolyPhen-2) suggests that this variant is likely to be disruptive. In summary, the available evidence is currently insufficient to determine the role of this variant in disease. Therefore, it has been classified as a Variant of Uncertain Significance.

Blueprint Genetics
Classification: Uncertain significance. Last evaluated: 2022-01-17. Review status: criteria provided, single submitter. Criteria: ACMG Guidelines, 2015. Collection method: clinical testing. Allele origin: germline.